The following is an entry in ClinVar:

NM_005045.4(RELN):c.9643A>G (p.Thr3215Ala)

Genes: SLC26A5-AS1 (SLC26A5 antisense RNA 1; plus strand), RELN (reelin; minus strand), LOC126860130 (BRD4-independent group 4 enhancer GRCh37_chr7:103130126-103131325; plus strand). Cytogenetic location: 7q22.1.
Variant type: single nucleotide variant.
Coding change: c.9643A>G on transcript NM_005045.4 (MANE Select); coding-DNA position 9643, A replaced by G.
Protein change: p.Thr3215Ala; replaces threonine 3215 with alanine.
Molecular consequence: missense variant.
Genome position (GRCh38, 1-based): chr7:103,489,862, T>C on the plus strand (A>G on the coding strand, the complement: RELN is on the minus strand). VCF-style: chr7-103489862-T-C. GRCh37 (hg19) VCF-style: chr7-103130309-T-C.
Other names: c.9643A>G, p.Thr3215Ala (NM_173054.3); short protein forms T3215A.
Identifiers: ClinVar variation 844081 (VCV000844081.9), dbSNP rs142094612, ClinGen allele CA4420153.

ClinVar aggregate classification (germline): Uncertain significance. Review status: criteria provided, multiple submitters, no conflicts (2 of 4 stars). 2 submissions from 2 submitters: Uncertain significance (2). Last evaluated 2026-01-28.

Conditions:
Familial temporal lobe epilepsy 7. Identifiers: Orphanet 101046, MedGen C4225327, MONDO:0014639, OMIM 616436.
Norman-Roberts syndrome (LIS2). Also called: Lissencephaly 2 (Norman-Roberts type). Identifiers: Orphanet 89844, MedGen C0796089, MONDO:0009760, OMIM 257320.
Inborn genetic diseases. Identifiers: MedGen C0950123, MeSH D030342.

Allele frequency attached by ClinVar (database versions not stated): gnomAD exomes below 0.00001 and 0.00001; ExAC 0.00001; gnomAD 0.00002 and 0.00003; TOPMed 0.00006; ESP Exome Variant Server 0.00015.
gnomAD v4.1: 10 of 1,614,060 alleles (0.00062%); highest among the groups gnomAD compares: African/African-American, 0.0053%; no homozygotes.

Submissions (2):

Labcorp Genetics (formerly Invitae), Labcorp
Classification: Uncertain significance for Familial temporal lobe epilepsy 7; Norman-Roberts syndrome. Last evaluated: 2026-01-28. Review status: criteria provided, single submitter. Criteria: Invitae Variant Classification Sherloc (09022015). Collection method: clinical testing. Allele origin: germline.
Comment: This sequence change replaces threonine, which is neutral and polar, with alanine, which is neutral and non-polar, at codon 3215 of the RELN protein (p.Thr3215Ala). This variant is present in population databases (rs142094612, gnomAD 0.007%). This variant has not been reported in the literature in individuals affected with RELN-related conditions. ClinVar contains an entry for this variant (Variation ID: 844081). Invitae Evidence Modeling of protein sequence and biophysical properties (such as structural, functional, and spatial information, amino acid conservation, physicochemical variation, residue mobility, and thermodynamic stability) indicates that this missense variant is not expected to disrupt RELN protein function with a negative predictive value of 80%. In summary, the available evidence is currently insufficient to determine the role of this variant in disease. Therefore, it has been classified as a Variant of Uncertain Significance.

Ambry Genetics
Classification: Uncertain significance for Inborn genetic diseases. Last evaluated: 2024-01-29. Review status: criteria provided, single submitter. Criteria: Ambry Variant Classification Scheme 2023. Collection method: clinical testing. Allele origin: germline.